The following is an entry in ClinVar:

ClinVar aggregate classification (germline): Uncertain significance (1 of 4 stars; one submission).

Conditions:
Blau syndrome (BLAUS). Also called: GRANULOMATOSIS, FAMILIAL JUVENILE SYSTEMIC; GRANULOMATOSIS, FAMILIAL, BLAU TYPE; GRANULOMATOUS INFLAMMATORY ARTHRITIS, DERMATITIS, AND UVEITIS, FAMILIAL; JABS SYNDROME; ARTHROCUTANEOUVEAL GRANULOMATOSIS. Identifiers: Orphanet 90340, MedGen C5201146, MONDO:0008523, OMIM 186580.
Regional enteritis. Also called: Enteritis, Granulomatous. Identifiers: MedGen C0678202, MeSH D003424.

Submission:

Labcorp Genetics (formerly Invitae), Labcorp
Classification: Uncertain significance for Regional enteritis; Blau syndrome. Last evaluated: 2025-06-29. Review status: criteria provided, single submitter. Criteria: Invitae Variant Classification Sherloc (09022015). Collection method: clinical testing. Allele origin: germline.
Comment: This sequence change replaces valine, which is neutral and non-polar, with leucine, which is neutral and non-polar, at codon 42 of the NOD2 protein (p.Val42Leu). This variant is not present in population databases (gnomAD no frequency). This variant has not been reported in the literature in individuals affected with NOD2-related conditions. ClinVar contains an entry for this variant (Variation ID: 971033). Invitae Evidence Modeling of protein sequence and biophysical properties (such as structural, functional, and spatial information, amino acid conservation, physicochemical variation, residue mobility, and thermodynamic stability) indicates that this missense variant is not expected to disrupt NOD2 protein function with a negative predictive value of 95%. In summary, the available evidence is currently insufficient to determine the role of this variant in disease. Therefore, it has been classified as a Variant of Uncertain Significance.

NM_001370466.1(NOD2):c.43G>C (p.Val15Leu)

Gene: NOD2 (nucleotide binding oligomerization domain containing 2; plus strand). Cytogenetic location: 16q12.1.
Variant type: single nucleotide variant.
Coding change: c.43G>C on transcript NM_001370466.1 (MANE Select); coding-DNA position 43, G replaced by C.
Protein change: p.Val15Leu; replaces valine 15 with leucine.
Molecular consequence: missense variant. On other transcripts: non-coding transcript variant (1).
Genome position (GRCh38, 1-based): chr16:50,699,538, G>C. VCF-style: chr16-50699538-G-C. GRCh37 (hg19) VCF-style: chr16-50733449-G-C.
Other names: c.124G>C, p.Val42Leu (NM_022162.3); c.43G>C, p.Val15Leu (NM_001293557.2); short protein forms V15L, V42L.
Identifiers: ClinVar variation 971033 (VCV000971033.10), dbSNP rs1963826129, ClinGen allele CA395865370.